The following is an entry in ClinVar:

NM_000051.4(ATM):c.6147del (p.Thr2048_Tyr2049insTer)

Genes: ATM (ATM serine/threonine kinase; plus strand), C11orf65 (chromosome 11 open reading frame 65; minus strand). Cytogenetic location: 11q22.3.
Variant type: Deletion.
Coding change: c.6147del on transcript NM_000051.4 (MANE Select); coding-DNA position 6147, one base deleted (T; older notation c.6147delT).
Protein change: p.Thr2048_Tyr2049insTer.
Molecular consequence: nonsense. On other transcripts: intron variant (2).
Genome position (GRCh38, 1-based): chr11:108,316,062, T deleted. VCF-style (leftmost placement, unchanged base first): chr11-108316061-AT-A. GRCh37 (hg19) VCF-style: chr11-108186788-AT-A.
Other names: c.6147del, p.Thr2048_Tyr2049insTer (NM_001351834.2); c.641-6991del (NM_001330368.2); c.*39-6991del (NM_001351110.2).
Identifiers: ClinVar variation 1751860 (VCV001751860.2), dbSNP rs2468613419, ClinGen allele CA2580083101.

ClinVar aggregate classification (germline): Pathogenic (1 of 4 stars; one submission).

Conditions:
Hereditary cancer-predisposing syndrome. Also called: Hereditary neoplastic syndrome; Neoplastic Syndromes, Hereditary; Tumor predisposition; Hereditary Cancer Syndrome. Identifiers: Orphanet 140162, MedGen C0027672, MeSH D009386, MONDO:0015356.

Submission:

Ambry Genetics
Classification: Pathogenic for Hereditary cancer-predisposing syndrome. Last evaluated: 2021-07-13. Review status: criteria provided, single submitter. Criteria: Ambry Variant Classification Scheme 2023. Collection method: clinical testing. Allele origin: germline.
Comment: The c.6147delT pathogenic mutation, located in coding exon 41 of the ATM gene, results from a deletion of one nucleotide at nucleotide position 6147, causing a translational frameshift with a predicted alternate stop codon (p.Y2049*). This alteration is expected to result in loss of function by premature protein truncation or nonsense-mediated mRNA decay. As such, this alteration is interpreted as a disease-causing mutation.